The following is an entry in ClinVar:

ClinVar aggregate classification (germline): Conflicting classifications of pathogenicity. Review status: criteria provided, conflicting classifications (1 of 4 stars). 3 submissions from 3 submitters: Uncertain significance (1); Likely benign (1). 1 of the submissions does not count toward it. Last evaluated 2025-09-30.

Conditions:
BIN1-related disorder. Also called: BIN1-related condition.
Myopathy, centronuclear, 2 (CNM2). Also called: MYOTUBULAR MYOPATHY, AUTOSOMAL RECESSIVE. Identifiers: Orphanet 169186, MedGen CN031787, MONDO:0009709, OMIM 255200.

Allele frequency attached by ClinVar (database versions not stated): gnomAD 0.00003; gnomAD exomes 0.00003 and 0.00007; TOPMed 0.00004; ExAC 0.00001; ESP Exome Variant Server 0.00015.
gnomAD v4.1: 105 of 1,613,748 alleles (0.0065%); highest among the groups gnomAD compares: Non-Finnish European, 0.0084%; no homozygotes.

Submissions (3):

Labcorp Genetics (formerly Invitae), Labcorp
Classification: Likely benign for Myopathy, centronuclear, 2. Last evaluated: 2025-09-30. Review status: criteria provided, single submitter. Criteria: Invitae Variant Classification Sherloc (09022015). Collection method: clinical testing. Allele origin: germline.

Illumina Laboratory Services, Illumina
Classification: Uncertain significance for Myopathy, centronuclear, 2. Last evaluated: 2018-01-12. Review status: criteria provided, single submitter. Criteria: ICSL Variant Classification Criteria 13 December 2019. Collection method: clinical testing. Allele origin: germline.

PreventionGenetics, part of Exact Sciences
Classification: Likely benign for BIN1-related condition. Last evaluated: 2023-04-05. Review status: no assertion criteria provided. Collection method: clinical testing. Allele origin: germline. Not counted in ClinVar's aggregate classification.
Comment: This variant is classified as likely benign based on ACMG/AMP sequence variant interpretation guidelines (Richards et al. 2015 PMID: 25741868, with internal and published modifications).

NM_139343.3(BIN1):c.675G>A (p.Glu225=)

Gene: BIN1 (bridging integrator 1; minus strand). Cytogenetic location: 2q14.3.
Variant type: single nucleotide variant.
Coding change: c.675G>A on transcript NM_139343.3 (MANE Select); coding-DNA position 675, G replaced by A.
Protein change: p.Glu225=; no amino-acid change (glutamic acid 225 retained).
Molecular consequence: synonymous variant.
Genome position (GRCh38, 1-based): chr2:127,063,956, C>T on the plus strand (G>A on the coding strand, the complement: BIN1 is on the minus strand). VCF-style: chr2-127063956-C-T. GRCh37 (hg19) VCF-style: chr2-127821532-C-T.
Other names: c.582G>A, p.Glu194= (NM_001320632.2, NM_001320641.2, NM_004305.4 and 6 more transcripts); c.675G>A, p.Glu225= (NM_001320633.2, NM_001320640.2, NM_139344.3 and 1 more transcripts); c.510G>A, p.Glu170= (NM_001320634.1); c.594G>A, p.Glu198= (NM_001320642.1).
Identifiers: ClinVar variation 766827 (VCV000766827.17), dbSNP rs148179522, ClinGen allele CA1857392.